The following is an entry in ClinVar:

ClinVar aggregate classification (germline): Likely pathogenic. Review status: criteria provided, multiple submitters, no conflicts (2 of 4 stars). 2 submissions from 2 submitters: Likely pathogenic (2). Last evaluated 2020-07-21.

Conditions:
Inborn genetic diseases. Identifiers: MedGen C0950123, MeSH D030342.

Submissions (2):

Ambry Genetics
Classification: Likely pathogenic for Inborn genetic diseases. Last evaluated: 2020-07-21. Review status: criteria provided, single submitter. Criteria: Ambry Variant Classification Scheme 2023. Collection method: clinical testing. Allele origin: germline.
Comment: The alteration results in an amino acid change: _x000D_ _x000D_ The c.16412G>A (p.R5471K) alteration is located in coding exon 52 of the KMT2D gene. This change occurs in the last base pair of coding exon 52, which makes it likely to have some effect on normal mRNA splicing. In addition to potential splicing impact, this alteration causes the arginine (R) at amino acid position 5471 to be replaced by a lysine (K). The alteration is not observed in population databases:_x000D_ _x000D_ Based on data from the Genome Aggregation Database (gnomAD), the KMT2D c.16412G>A alteration was not observed, with coverage at this position. The altered nucleotide is conserved throughout evolution:_x000D_ _x000D_ The c.16412G nucleotide is conserved in available vertebrate species. The alteration is predicted deleterious by in silico modeling:_x000D_ _x000D_ The p.R5471K alteration is predicted to be deleterious by in silico analysis. Based on the available evidence, this alteration is classified as likely pathogenic.

GeneDx
Classification: Likely pathogenic. Last evaluated: 2017-11-02. Review status: criteria provided, single submitter. Criteria: GeneDx Variant Classification (06012015). Collection method: clinical testing. Allele origin: germline. Affected: yes.
Comment: The R5471K variant has not been published as a pathogenic variant, nor has it been reported as a benign variant to our knowledge. The variant is not observed in large population cohorts (Lek et al., 2016; 1000 Genomes Consortium et al., 2015; Exome Variant Server). R5471K is a conservative amino acid substitution, which is not likely to impact secondary protein structure as these residues share similar properties. However, this substitution occurs at a position that is conserved across species, and in silico analysis predicts this variant is probably damaging to the protein structure/function. In-silico splice prediction models predict that the variant may damage the normal splice donor site of intron 52 and lead to abnormal gene splicing. However, in the absence of RNA/functional studies, the actual effect of this sequence change in this individual is unknown. In summary, we consider this variant to be likely pathogenic.

NM_003482.4(KMT2D):c.16412G>A (p.Arg5471Lys)

Gene: KMT2D (lysine methyltransferase 2D; minus strand). Cytogenetic location: 12q13.12.
Variant type: single nucleotide variant.
Coding change: c.16412G>A on transcript NM_003482.4 (MANE Select); coding-DNA position 16412, G replaced by A.
Protein change: p.Arg5471Lys; replaces arginine 5471 with lysine.
Molecular consequence: missense variant.
Genome position (GRCh38, 1-based): chr12:49,022,280, C>T on the plus strand (G>A on the coding strand, the complement: KMT2D is on the minus strand). VCF-style: chr12-49022280-C-T. GRCh37 (hg19) VCF-style: chr12-49416063-C-T.
Other names: short protein forms R5471K.
Identifiers: ClinVar variation 451166 (VCV000451166.4), dbSNP rs1555184684, ClinGen allele CA384676632.